The following is an entry in ClinVar:

ClinVar aggregate classification (germline): Uncertain significance (1 of 4 stars; one submission).

Conditions:
Peutz-Jeghers syndrome (PJS). Also called: POLYPOSIS, HAMARTOMATOUS INTESTINAL; POLYPS-AND-SPOTS SYNDROME; Peutz-Jeghers polyposis; Periorificial lentiginosis syndrome. Identifiers: Orphanet 2869, MedGen C0031269, MeSH D010580, MONDO:0008280, OMIM 175200.

Submission:

Labcorp Genetics (formerly Invitae), Labcorp
Classification: Uncertain significance for Peutz-Jeghers syndrome. Last evaluated: 2022-10-10. Review status: criteria provided, single submitter. Criteria: Invitae Variant Classification Sherloc (09022015). Collection method: clinical testing. Allele origin: germline.
Comment: In summary, the available evidence is currently insufficient to determine the role of this variant in disease. Therefore, it has been classified as a Variant of Uncertain Significance. Advanced modeling of protein sequence and biophysical properties (such as structural, functional, and spatial information, amino acid conservation, physicochemical variation, residue mobility, and thermodynamic stability) has been performed at Invitae for this missense variant, however the output from this modeling did not meet the statistical confidence thresholds required to predict the impact of this variant on STK11 protein function. This variant has not been reported in the literature in individuals affected with STK11-related conditions. This variant is not present in population databases (gnomAD no frequency). This sequence change replaces threonine, which is neutral and polar, with asparagine, which is neutral and polar, at codon 212 of the STK11 protein (p.Thr212Asn).

NM_000455.5(STK11):c.635C>A (p.Thr212Asn)

Gene: STK11 (serine/threonine kinase 11; plus strand). Cytogenetic location: 19p13.3.
Variant type: single nucleotide variant.
Coding change: c.635C>A on transcript NM_000455.5 (MANE Select); coding-DNA position 635, C replaced by A.
Protein change: p.Thr212Asn; replaces threonine 212 with asparagine.
Molecular consequence: missense variant.
Genome position (GRCh38, 1-based): chr19:1,220,618, C>A. VCF-style: chr19-1220618-C-A. GRCh37 (hg19) VCF-style: chr19-1220617-C-A.
Other names: c.635C>A, p.Thr212Asn (NM_001407255.1); short protein forms T212N.
Identifiers: ClinVar variation 1721387 (VCV001721387.5), dbSNP rs1555738389, ClinGen allele CA402949545.